The following is an entry in ClinVar:

ClinVar aggregate classification (germline): Uncertain significance. Review status: criteria provided, multiple submitters, no conflicts (2 of 4 stars). 2 submissions from 2 submitters: Uncertain significance (2). Last evaluated 2025-08-07.

Conditions:
COL9A1-related disorder. Also called: COL9A1-related condition; COL9A1-related disorders.

Allele frequency attached by ClinVar (database versions not stated): TOPMed 0.00002; ExAC 0.00003; ESP Exome Variant Server 0.00008.

Submissions (2):

PreventionGenetics, part of Exact Sciences
Classification: Uncertain significance for COL9A1-related condition. Last evaluated: 2025-08-07. Review status: criteria provided, single submitter. Criteria: ACMG Guidelines, 2015. Collection method: clinical testing. Allele origin: germline.
Comment: The COL9A1 c.1052C>T variant is predicted to result in the amino acid substitution p.Ser351Leu. To our knowledge, this variant has not been reported in the literature. This variant is reported in 0.0061% of alleles in individuals of East Asian descent in gnomAD. At this time, the clinical significance of this variant is uncertain due to the absence of conclusive functional and genetic evidence.

Labcorp Genetics (formerly Invitae), Labcorp
Classification: Uncertain significance. Last evaluated: 2022-12-20. Review status: criteria provided, single submitter. Criteria: Invitae Variant Classification Sherloc (09022015). Collection method: clinical testing. Allele origin: germline.
Comment: In summary, the available evidence is currently insufficient to determine the role of this variant in disease. Therefore, it has been classified as a Variant of Uncertain Significance. Advanced modeling of protein sequence and biophysical properties (such as structural, functional, and spatial information, amino acid conservation, physicochemical variation, residue mobility, and thermodynamic stability) performed at Invitae indicates that this missense variant is not expected to disrupt COL9A1 protein function. This variant has not been reported in the literature in individuals affected with COL9A1-related conditions. The frequency data for this variant in the population databases is considered unreliable, as metrics indicate poor data quality at this position in the gnomAD database. This sequence change replaces serine, which is neutral and polar, with leucine, which is neutral and non-polar, at codon 351 of the COL9A1 protein (p.Ser351Leu).

NM_001851.6(COL9A1):c.1052C>T (p.Ser351Leu)

Gene: COL9A1 (collagen type IX alpha 1 chain; minus strand). Cytogenetic location: 6q13.
Variant type: single nucleotide variant.
Coding change: c.1052C>T on transcript NM_001851.6 (MANE Select); coding-DNA position 1052, C replaced by T.
Protein change: p.Ser351Leu; replaces serine 351 with leucine.
Molecular consequence: missense variant. On other transcripts: non-coding transcript variant (1).
Genome position (GRCh38, 1-based): chr6:70,274,060, G>A on the plus strand (C>T on the coding strand, the complement: COL9A1 is on the minus strand). VCF-style: chr6-70274060-G-A. GRCh37 (hg19) VCF-style: chr6-70983763-G-A.
Other names: c.1052C>T (NM_001851.4); c.323C>T, p.Ser108Leu (NM_001377289.1, NM_001377290.1, NM_078485.4); short protein forms S108L, S351L.
Identifiers: ClinVar variation 2965057 (VCV002965057.2), dbSNP rs201035486, ClinGen allele CA3882476.